The following is an entry in ClinVar:

NM_003072.5(SMARCA4):c.782C>G (p.Pro261Arg)

Gene: SMARCA4 (SWI/SNF related BAF chromatin remodeling complex subunit ATPase 4; plus strand). Cytogenetic location: 19p13.2.
Variant type: single nucleotide variant.
Coding change: c.782C>G on transcript NM_003072.5 (MANE Select); coding-DNA position 782, C replaced by G.
Protein change: p.Pro261Arg; replaces proline 261 with arginine.
Molecular consequence: missense variant. On other transcripts: non-coding transcript variant (1).
Genome position (GRCh38, 1-based): chr19:10,986,926, C>G. VCF-style: chr19-10986926-C-G. GRCh37 (hg19) VCF-style: chr19-11097602-C-G.
Other names: c.782C>G, p.Pro261Arg (NM_001128844.3, NM_001128845.2, NM_001128846.2 and 6 more transcripts); short protein forms P261R.
Identifiers: ClinVar variation 4864756 (VCV004864756.1).

ClinVar aggregate classification (germline): Uncertain significance (1 of 4 stars; one submission).

Conditions:
Hereditary cancer-predisposing syndrome. Also called: Neoplastic Syndromes, Hereditary; Tumor predisposition; Hereditary Cancer Syndrome; Hereditary neoplastic syndrome. Identifiers: Orphanet 140162, MedGen C0027672, MeSH D009386, MONDO:0015356.

Submission:

Ambry Genetics
Classification: Uncertain significance for Hereditary cancer-predisposing syndrome. Last evaluated: 2026-04-11. Review status: criteria provided, single submitter. Criteria: Ambry Variant Classification Scheme 2023. Collection method: clinical testing. Allele origin: germline.
Comment: The p.P261R variant (also known as c.782C>G), located in coding exon 4 of the SMARCA4 gene, results from a C to G substitution at nucleotide position 782. The proline at codon 261 is replaced by arginine, an amino acid with dissimilar properties. This amino acid position is conserved. In addition, the in silico prediction for this alteration is inconclusive. Based on the available evidence, the clinical significance of this variant remains unclear.